The following is an entry in ClinVar:

NM_020433.5(JPH2):c.1464C>A (p.Ala488=)

Gene: JPH2 (junctophilin 2; minus strand). Cytogenetic location: 20q13.12.
Variant type: single nucleotide variant.
Coding change: c.1464C>A on transcript NM_020433.5 (MANE Select); coding-DNA position 1464, C replaced by A.
Protein change: p.Ala488=; no amino-acid change (alanine 488 retained).
Molecular consequence: synonymous variant.
Genome position (GRCh38, 1-based): chr20:44,116,211, G>T on the plus strand (C>A on the coding strand, the complement: JPH2 is on the minus strand). VCF-style: chr20-44116211-G-T. GRCh37 (hg19) VCF-style: chr20-42744851-G-T.
Identifiers: ClinVar variation 403851 (VCV000403851.9), dbSNP rs1060499997, ClinGen allele CA16616460.

ClinVar aggregate classification (germline): Conflicting classifications of pathogenicity. Review status: criteria provided, conflicting classifications (1 of 4 stars). 3 submissions from 3 submitters: Uncertain significance (2); Likely benign (1). Last evaluated 2025-02-20.

Conditions:
Cardiovascular phenotype. Identifiers: MedGen CN230736.
Hypertrophic cardiomyopathy. Also called: HYPERTROPHIC MYOCARDIOPATHY. Identifiers: Orphanet 217569, MedGen C0007194, MeSH D002312, MONDO:0005045, HP:0001639.

Submissions (3):

Ambry Genetics
Classification: Likely benign for Cardiovascular phenotype. Last evaluated: 2025-02-20. Review status: criteria provided, single submitter. Criteria: Ambry Variant Classification Scheme 2023. Collection method: clinical testing. Allele origin: germline.

Labcorp Genetics (formerly Invitae), Labcorp
Classification: Uncertain significance for Hypertrophic cardiomyopathy. Last evaluated: 2022-12-30. Review status: criteria provided, single submitter. Criteria: Invitae Variant Classification Sherloc (09022015). Collection method: clinical testing. Allele origin: germline.
Comment: In summary, the available evidence is currently insufficient to determine the role of this variant in disease. Therefore, it has been classified as a Variant of Uncertain Significance. Algorithms developed to predict the effect of sequence changes on RNA splicing suggest that this variant is not likely to affect RNA splicing. ClinVar contains an entry for this variant (Variation ID: 403851). This variant has not been reported in the literature in individuals affected with JPH2-related conditions. This variant is not present in population databases (gnomAD no frequency). This sequence change replaces alanine, which is neutral and non-polar, with alanine, which is neutral and non-polar, at codon 488 of the JPH2 protein (Silent).

Stanford Center for Inherited Cardiovascular Disease, Stanford University
Classification: Uncertain significance. Last evaluated: 2016-10-18. Review status: criteria provided, single submitter. Criteria: ACMG Guidelines, 2015. Collection method: provider interpretation. Allele origin: germline.